The following is an entry in ClinVar:

NM_014408.5(TRAPPC3):c.100T>A (p.Tyr34Asn)

Gene: TRAPPC3 (trafficking protein particle complex subunit 3; minus strand). Cytogenetic location: 1p34.3.
Variant type: single nucleotide variant.
Coding change: c.100T>A on transcript NM_014408.5 (MANE Select); coding-DNA position 100, T replaced by A.
Protein change: p.Tyr34Asn; replaces tyrosine 34 with asparagine.
Molecular consequence: missense variant. On other transcripts: 5 prime UTR variant (2), intron variant (1).
Genome position (GRCh38, 1-based): chr1:36,140,109, A>T on the plus strand (T>A on the coding strand, the complement: TRAPPC3 is on the minus strand). VCF-style: chr1-36140109-A-T. GRCh37 (hg19) VCF-style: chr1-36605710-A-T.
Other names: c.100T>A, p.Tyr34Asn (NM_001270894.2); c.-39T>A (NM_001270895.2, NM_001270896.2); c.43-2131T>A (NM_001270897.2); short protein forms Y34N.
Identifiers: ClinVar variation 1938342 (VCV001938342.5), dbSNP rs369744066, ClinGen allele CA765353.
Genomic context (GRCh38, chr1:36,140,109, plus strand): 5'-CTATGAAGGAGCTCACTCACATTTTGTCCAGCTGTTTATTCACATCTTCATCATTTTCAT[A>T]GTCCTTACATAGCTGGGTGACCAGGGCACCATAGGTCAGGGTGAAGAGCTCAGAGCTCTA-3'
Protein context (NP_055223.1, residues 24-44): GALVTQLCKD[Tyr34Asn]ENDEDVNKQL

ClinVar aggregate classification (germline): Uncertain significance (1 of 4 stars; one submission).

Allele frequency attached by ClinVar (database versions not stated): TOPMed below 0.00001; ESP Exome Variant Server 0.00008.
gnomAD v4.1: 20 of 1,605,480 alleles (0.0012%); highest among the groups gnomAD compares: Non-Finnish European, 0.0016%; no homozygotes.

Submission:

Labcorp Genetics (formerly Invitae), Labcorp
Classification: Uncertain significance. Last evaluated: 2022-09-12. Review status: criteria provided, single submitter. Criteria: Invitae Variant Classification Sherloc (09022015). Collection method: clinical testing. Allele origin: germline.
Comment: This variant is present in population databases (rs369744066, gnomAD 0.004%). This sequence change replaces tyrosine, which is neutral and polar, with asparagine, which is neutral and polar, at codon 34 of the TRAPPC3 protein (p.Tyr34Asn). Algorithms developed to predict the effect of missense changes on protein structure and function are either unavailable or do not agree on the potential impact of this missense change (SIFT: "Deleterious"; PolyPhen-2: "Not Available"; Align-GVGD: "Class C55"). In summary, the available evidence is currently insufficient to determine the role of this variant in disease. Therefore, it has been classified as a Variant of Uncertain Significance. This variant has not been reported in the literature in individuals affected with TRAPPC3-related conditions.